The following is an entry in ClinVar:

ClinVar aggregate classification (germline): Pathogenic/Likely pathogenic. Review status: criteria provided, multiple submitters, no conflicts (2 of 4 stars). 3 submissions from 3 submitters: Pathogenic (1); Likely pathogenic (2). Last evaluated 2024-05-01.

Conditions:
Cardiovascular phenotype. Identifiers: MedGen CN230736.
ALPK3-related disorder. Also called: ALPK3-related condition.

Submissions (3):

GeneDx
Classification: Likely pathogenic. Last evaluated: 2024-05-01. Review status: criteria provided, single submitter. Criteria: GeneDx Variant Classification Process June 2021. Collection method: clinical testing. Allele origin: germline. Affected: yes.
Comment: Has not been previously published as pathogenic or benign to our knowledge; Not observed at significant frequency in large population cohorts (gnomAD); Frameshift variant predicted to result in protein truncation or nonsense mediated decay in a gene for which loss of function is a known mechanism of disease

Ambry Genetics
Classification: Pathogenic for Cardiovascular phenotype. Last evaluated: 2023-07-03. Review status: criteria provided, single submitter. Criteria: Ambry Variant Classification Scheme 2023. Collection method: clinical testing. Allele origin: germline.
Comment: The c.668delG pathogenic mutation, located in coding exon 1 of the ALPK3 gene, results from a deletion of one nucleotide at nucleotide position 668, causing a translational frameshift with a predicted alternate stop codon (p.G223Afs*88). This alteration is expected to result in loss of function by premature protein truncation or nonsense-mediated mRNA decay. As such, this alteration is interpreted as a disease-causing mutation.

Blueprint Genetics
Classification: Likely pathogenic for ALPK3-related disorders. Last evaluated: 2023-04-19. Review status: criteria provided, single submitter. Criteria: ACMG Guidelines, 2015. Collection method: clinical testing. Allele origin: germline. Affected: yes. Observed: 4 variant alleles.

NM_020778.5(ALPK3):c.62del (p.Gly21fs)

Gene: ALPK3 (alpha kinase 3; plus strand). Cytogenetic location: 15q25.3.
Variant type: Deletion.
Coding change: c.62del on transcript NM_020778.5 (MANE Select); coding-DNA position 62, one base deleted (G; older notation c.62delG).
Protein change: p.Gly21fs; shifts the reading frame from glycine 21.
Molecular consequence: frameshift variant.
Genome position (GRCh38, 1-based): chr15:84,817,514, G deleted; the last of 6 consecutive G bases (chr15:84,817,509-84,817,514); deleting any one gives the same sequence. VCF-style (leftmost placement, unchanged base first): chr15-84817508-CG-C. GRCh37 (hg19) VCF-style: chr15-85360739-CG-C.
Other names: c.668delG (NM_020778.4); short protein forms G21fs.
Identifiers: ClinVar variation 2624481 (VCV002624481.4), dbSNP rs1250475254, ClinGen allele CA619855154.